The following is an entry in ClinVar:

ClinVar aggregate classification (germline): Uncertain significance (1 of 4 stars; one submission).

Conditions:
Cobalamin C disease. Also called: Methylmalonic aciduria and homocystinuria, Vitamin B12-responsive; Vitamin B12 metabolic defect with combined deficiency of methylmalonyl-CoA mutase and homocysteine:methyltetrahydrofolate methyltransferase; Cobalamin-C methylmalonic acidemia and homocystinuria; Methylmalonic acidemia and homocystinuria cblC type; methylmalonic aciduria and homocystinuria type cblC; Methylmalonic aciduria with homocystinuria cblC type. Identifiers: Orphanet 26, Orphanet 79282, MedGen C1848561, MONDO:0010184, OMIM 277400.

Submission:

3billion
Classification: Uncertain significance for Cobalamin C disease. Last evaluated: 2025-11-16. Review status: criteria provided, single submitter. Criteria: ACMG Guidelines, 2015. Collection method: clinical testing. Allele origin: germline. Affected: yes.
Comment: The variant is observed at an extremely low frequency in the gnomAD v4.1.0 dataset (total allele frequency: <0.001%). Predicted Consequence/Location: Inframe insertion located in a nonrepeat region: predicted to change the length of the protein and disrupt normal protein function. The variant has been reported to be associated with MMACHC-related disorder (3billion dataset). Therefore, this variant is classified as VUS according to the recommendation of ACMG/AMP guideline.

NM_015506.3(MMACHC):c.242_244dup (p.Cys82Ter)

Gene: MMACHC (metabolism of cobalamin associated C; plus strand). Cytogenetic location: 1p34.1.
Variant type: Duplication.
Coding change: c.242_244dup on transcript NM_015506.3 (MANE Select); coding-DNA positions 242 to 244, 3 bases duplicated (AGT; older notation c.242_244dupAGT).
Protein change: p.Cys82Ter; replaces cysteine 82 with a stop codon.
Molecular consequence: nonsense.
Genome position (GRCh38, 1-based): chr1:45,507,516-45,507,518, AGT duplicated. VCF-style (leftmost placement, unchanged base first): chr1-45507515-C-CAGT. GRCh37 (hg19) VCF-style: chr1-45973187-C-CAGT.
Other names: c.71_73dup, p.Cys25Ter (NM_001330540.2); short protein forms C25*, C82*.
Identifiers: ClinVar variation 4854150 (VCV004854150.1).